The following is an entry in ClinVar:

ClinVar aggregate classification (germline): Benign (1 of 4 stars; one submission).

Conditions:
Familial cancer of breast. Also called: hereditary breast carcinoma; BREAST CANCER, FAMILIAL; Hereditary breast cancer. Identifiers: Orphanet 227535, MedGen C0346153, MONDO:0016419, OMIM 114480. Disease mechanism: loss of function.

Submission:

Myriad Genetics, Inc.
Classification: Benign for Familial cancer of breast. Last evaluated: 2024-06-24. Review status: criteria provided, single submitter. Criteria: Myriad Autosomal Dominant, Autosomal Recessive and X-Linked Classification Criteria (2023). Collection method: clinical testing. Allele origin: unknown.
Comment: This variant is considered benign. This variant is a silent/synonymous amino acid change and it is not expected to impact splicing.

NM_000051.4(ATM):c.9105C>A (p.Leu3035=)

Genes: ATM (ATM serine/threonine kinase; plus strand), C11orf65 (chromosome 11 open reading frame 65; minus strand). Cytogenetic location: 11q22.3.
Variant type: single nucleotide variant.
Coding change: c.9105C>A on transcript NM_000051.4 (MANE Select); coding-DNA position 9105, C replaced by A.
Protein change: p.Leu3035=; no amino-acid change (leucine 3035 retained).
Molecular consequence: synonymous variant. On other transcripts: intron variant (2).
Genome position (GRCh38, 1-based): chr11:108,365,442, C>A. VCF-style: chr11-108365442-C-A. GRCh37 (hg19) VCF-style: chr11-108236169-C-A.
Other names: c.9105C>A, p.Leu3035= (NM_001351834.2); c.640+20478G>T (NM_001330368.2); c.694+20478G>T (NM_001351110.2).
Identifiers: ClinVar variation 3254031 (VCV003254031.1), dbSNP rs1353790236.